The following is an entry in ClinVar:

NM_080916.3(DGUOK):c.177G>A (p.Thr59=)

Gene: DGUOK (deoxyguanosine kinase; plus strand). Cytogenetic location: 2p13.1.
Variant type: single nucleotide variant.
Coding change: c.177G>A on transcript NM_080916.3 (MANE Select); coding-DNA position 177, G replaced by A.
Protein change: p.Thr59=; no amino-acid change (threonine 59 retained).
Molecular consequence: synonymous variant. On other transcripts: intron variant (4).
Genome position (GRCh38, 1-based): chr2:73,938,944, G>A. VCF-style: chr2-73938944-G-A. GRCh37 (hg19) VCF-style: chr2-74166071-G-A.
Other names: c.177G>A (NM_080916.2); c.177G>A, p.Thr59= (NM_001318859.2, NM_080918.3); c.-37+6261G>A (NM_001318861.2, NM_001318862.2); c.-36-7775G>A (NM_001318860.2, NM_001318863.2).
Identifiers: ClinVar variation 2969360 (VCV002969360.4), dbSNP rs1176518098, ClinGen allele CA426795227.

ClinVar aggregate classification (germline): Likely benign. Review status: criteria provided, multiple submitters, no conflicts (2 of 4 stars). 2 submissions from 2 submitters: Likely benign (2). Last evaluated 2025-02-03.

Conditions:
DGUOK-related disorder. Also called: DGUOK-related condition.

Allele frequency attached by ClinVar (database versions not stated): gnomAD exomes 0.00001; TOPMed 0.00002; gnomAD 0.00003.
gnomAD v4.1: 14 of 1,613,886 alleles (0.00087%); highest among the groups gnomAD compares: East Asian, 0.022%; no homozygotes.

Submissions (2):

PreventionGenetics, part of Exact Sciences
Classification: Likely benign for DGUOK-related condition. Last evaluated: 2025-02-03. Review status: criteria provided, single submitter. Criteria: ACMG Guidelines, 2015. Collection method: clinical testing. Allele origin: germline.
Comment: This variant is classified as likely benign based on ACMG/AMP sequence variant interpretation guidelines (Richards et al. 2015 PMID: 25741868, with internal and published modifications).

Labcorp Genetics (formerly Invitae), Labcorp
Classification: Likely benign. Last evaluated: 2024-03-16. Review status: criteria provided, single submitter. Criteria: Invitae Variant Classification Sherloc (09022015). Collection method: clinical testing. Allele origin: germline.